The following is an entry in ClinVar:

ClinVar aggregate classification (germline): Uncertain significance. Review status: criteria provided, multiple submitters, no conflicts (2 of 4 stars). 5 submissions from 5 submitters: Uncertain significance (5). Last evaluated 2023-12-13.

Conditions:
Neuropathy, hereditary sensory, type 2C. Also called: Hereditary sensory and autonomic neuropathy type IIC; KIF1A-Related HSAN2 (HSAN2C). Identifiers: Orphanet 970, MedGen C3280168, MONDO:0013634, OMIM 614213.
Intellectual disability, autosomal dominant 9 (NESCAVS). Also called: KIF1A-Related Neurodevelopmental Disorder; NESCAV SYNDROME. Identifiers: Orphanet 662367, MedGen C5393830, MONDO:0013656, OMIM 614255.
Hereditary spastic paraplegia 30. Identifiers: Orphanet 101010, MedGen C5235139, MONDO:0012476.

Submissions (5):

Mayo Clinic Laboratories, Mayo Clinic
Classification: Uncertain significance. Last evaluated: 2023-12-13. Review status: criteria provided, single submitter. Criteria: ACMG Guidelines, 2015. Collection method: clinical testing. Allele origin: germline. Observed: 1 variant allele.

Labcorp Genetics (formerly Invitae), Labcorp
Classification: Uncertain significance for Hereditary spastic paraplegia 30; Neuropathy, hereditary sensory, type 2C; Intellectual disability, autosomal dominant 9. Last evaluated: 2023-08-24. Review status: criteria provided, single submitter. Criteria: Invitae Variant Classification Sherloc (09022015). Collection method: clinical testing. Allele origin: germline.
Comment: In summary, the available evidence is currently insufficient to determine the role of this variant in disease. Therefore, it has been classified as a Variant of Uncertain Significance. Experimental studies and prediction algorithms are not available or were not evaluated, and the functional significance of this variant is currently unknown. ClinVar contains an entry for this variant (Variation ID: 1032199). This variant has not been reported in the literature in individuals affected with KIF1A-related conditions. This variant is present in population databases (rs760590728, gnomAD 0.003%). This variant, c.5050_5052del, results in the deletion of 1 amino acid(s) of the KIF1A protein (p.Arg1684del), but otherwise preserves the integrity of the reading frame.

GeneDx
Classification: Uncertain significance. Last evaluated: 2021-09-08. Review status: criteria provided, single submitter. Criteria: GeneDx Variant Classification Process June 2021. Collection method: clinical testing. Allele origin: germline. Affected: yes.
Comment: In-frame deletion of 1 amino acids in a non-repeat region; In silico analysis supports a deleterious effect on protein structure/function; Has not been previously published as pathogenic or benign to our knowledge

Athena Diagnostics
Classification: Uncertain significance. Last evaluated: 2021-01-26. Review status: criteria provided, single submitter. Criteria: Athena Diagnostics criteria. Collection method: clinical testing. Allele origin: unknown.

Baylor Genetics
Classification: Uncertain significance for Intellectual disability, autosomal dominant 9. Last evaluated: 2018-04-18. Review status: criteria provided, single submitter. Criteria: ACMG Guidelines, 2015. Collection method: clinical testing. Allele origin: maternal. Affected: yes.
Comment: This variant was determined to be of uncertain significance according to ACMG Guidelines, 2015 [PMID:25741868].

NM_001244008.2(KIF1A):c.5350AGG[1] (p.Arg1785del)

Gene: KIF1A (kinesin family member 1A; minus strand). Cytogenetic location: 2q37.3.
Variant type: Microsatellite.
Coding change: c.5350AGG[1] on transcript NM_001244008.2 (MANE Select); one copy of the 3-base unit AGG starting at c.5350; the reference has two copies in a row; one copy, 3 bases deleted.
Protein change: p.Arg1785del; deletes arginine 1785.
Molecular consequence: inframe deletion.
Genome position (GRCh38, 1-based): chr2:240,717,385-240,717,387, CCT deleted on the plus strand (AGG on the coding strand, the reverse complement: KIF1A is on the minus strand); deleting any 3 consecutive bases within chr2:240,717,385-240,717,390 gives the same sequence; the position shown is the placement nearest the transcript's 3' end. VCF-style (leftmost placement, unchanged base first): chr2-240717384-ACCT-A. GRCh37 (hg19) VCF-style: chr2-241656801-ACCT-A.
Other names: p.Arg1684del; c.5050_5052del (NM_004321.7); c.5050_5052delAGG (NM_004321.6); c.5074AGG[1], p.Arg1693del (NM_001320705.2, NM_001379649.1); c.5101AGG[1], p.Arg1702del (NM_001330289.2); c.5149AGG[1], p.Arg1718del (NM_001330290.2, NM_001379648.1); c.5425AGG[1], p.Arg1810del (NM_001379631.1); c.5326AGG[1], p.Arg1777del (NM_001379632.1); and 11 more; short protein forms R1701del, R1702del, R1727del, R1776del, R1785del, R1810del, R1683del, R1684del.
Identifiers: ClinVar variation 1032199 (VCV001032199.10), dbSNP rs760590728, ClinGen allele CA2207087.